The following is an entry in ClinVar:

NM_004984.4(KIF5A):c.2813C>T (p.Thr938Ile)

Gene: KIF5A (kinesin family member 5A; plus strand). Cytogenetic location: 12q13.3.
Variant type: single nucleotide variant.
Coding change: c.2813C>T on transcript NM_004984.4 (MANE Select); coding-DNA position 2813, C replaced by T.
Protein change: p.Thr938Ile; replaces threonine 938 with isoleucine.
Molecular consequence: missense variant.
Genome position (GRCh38, 1-based): chr12:57,581,472, C>T. VCF-style: chr12-57581472-C-T. GRCh37 (hg19) VCF-style: chr12-57975255-C-T.
Other names: c.2546C>T, p.Thr849Ile (NM_001354705.2); short protein forms T849I, T938I.
Identifiers: ClinVar variation 3025752 (VCV003025752.22), dbSNP rs1882598883, ClinGen allele CA385515768.
Genomic context (GRCh38, chr12:57,581,472, plus strand): 5'-CAGCCAAACCCGTCCGGCCTGGCCACTACCCAGCATCCTCACCCACCAACCCCTATGGCA[C>T]CCGGAGCCCTGAGTGCATCAGTTACACCAACAGCCTCTTCCAGAACTACCAGAATCTCTA-3'
Protein context (NP_004975.2, residues 928-948): PASSPTNPYG[Thr938Ile]RSPECISYTN

ClinVar aggregate classification (germline): Uncertain significance (1 of 4 stars; one submission).

Allele frequency attached by ClinVar (database versions not stated): gnomAD exomes below 0.00001; gnomAD 0.00001.
gnomAD v4.1: 2 of 1,613,960 alleles (0.00012%); highest among the groups gnomAD compares: Non-Finnish European, 0.00017%; no homozygotes.

Submission:

CeGaT Center for Human Genetics Tuebingen
Classification: Uncertain significance. Last evaluated: 2024-02-01. Review status: criteria provided, single submitter. Criteria: CeGaT Center For Human Genetics Tuebingen Variant Classification Criteria Version 2. Collection method: clinical testing. Allele origin: germline. Affected: yes. Observed: 1 variant allele.
Comment: KIF5A: PM2